The following is an entry in ClinVar:

NM_152866.3(MS4A1):c.35T>A (p.Phe12Tyr)

Gene: MS4A1 (membrane spanning 4-domains A1; plus strand). Cytogenetic location: 11q12.2.
Variant type: single nucleotide variant.
Coding change: c.35T>A on transcript NM_152866.3 (MANE Select); coding-DNA position 35, T replaced by A.
Protein change: p.Phe12Tyr; replaces phenylalanine 12 with tyrosine.
Molecular consequence: missense variant.
Genome position (GRCh38, 1-based): chr11:60,462,409, T>A. VCF-style: chr11-60462409-T-A. GRCh37 (hg19) VCF-style: chr11-60229882-T-A.
Other names: c.35T>A, p.Phe12Tyr (NM_021950.4, NM_152867.2); short protein forms F12Y.
Identifiers: ClinVar variation 2594670 (VCV002594670.4), dbSNP rs763588373, ClinGen allele CA6024850.
Genomic context (GRCh38, chr11:60,462,409, plus strand): 5'-TTATTTTTAGGAGTTTTGAGAGCAAAATGACAACACCCAGAAATTCAGTAAATGGGACTT[T>A]CCCGGCAGAGCCAATGAAAGGCCCTATTGCTATGCAATCTGGTCCAAAACCACTCTTCAG-3'
Protein context (NP_690605.1, residues 2-22): TTPRNSVNGT[Phe12Tyr]PAEPMKGPIA

ClinVar aggregate classification (germline): Uncertain significance. Review status: criteria provided, multiple submitters, no conflicts (2 of 4 stars). 2 submissions from 2 submitters: Uncertain significance (2). Last evaluated 2024-12-17.

Allele frequency attached by ClinVar (database versions not stated): TOPMed 0.00001; ExAC 0.00002.
gnomAD v4.1: 25 of 1,614,088 alleles (0.0015%); highest among the groups gnomAD compares: Non-Finnish European, 0.0021%; no homozygotes.

Submissions (2):

Labcorp Genetics (formerly Invitae), Labcorp
Classification: Uncertain significance. Last evaluated: 2024-12-17. Review status: criteria provided, single submitter. Criteria: Invitae Variant Classification Sherloc (09022015). Collection method: clinical testing. Allele origin: germline.
Comment: This sequence change replaces phenylalanine, which is neutral and non-polar, with tyrosine, which is neutral and polar, at codon 12 of the MS4A1 protein (p.Phe12Tyr). This variant is present in population databases (rs763588373, gnomAD 0.002%). This variant has not been reported in the literature in individuals affected with MS4A1-related conditions. ClinVar contains an entry for this variant (Variation ID: 2594670). An algorithm developed to predict the effect of missense changes on protein structure and function (PolyPhen-2) suggests that this variant is likely to be disruptive. In summary, the available evidence is currently insufficient to determine the role of this variant in disease. Therefore, it has been classified as a Variant of Uncertain Significance.

Ambry Genetics
Classification: Uncertain significance. Last evaluated: 2023-08-08. Review status: criteria provided, single submitter. Criteria: Ambry Variant Classification Scheme 2023. Collection method: clinical testing. Allele origin: germline.